The following is an entry in ClinVar:

ClinVar aggregate classification (germline): Uncertain significance. Review status: criteria provided, multiple submitters, no conflicts (2 of 4 stars). 2 submissions from 2 submitters: Uncertain significance (2). Last evaluated 2022-02-08.

Conditions:
Body skin hyperlaxity due to vitamin K-dependent coagulation factor deficiency (PXECD). Also called: PSEUDOXANTHOMA ELASTICUM-LIKE DISORDER WITH MULTIPLE COAGULATION FACTOR DEFICIENCY; PXE-LIKE DISORDER WITH MULTIPLE COAGULATION FACTOR DEFICIENCY; PXE-like disorder. Identifiers: Orphanet 91135, MedGen C1835813, MONDO:0012570, OMIM 610842.

Allele frequency attached by ClinVar (database versions not stated): ExAC 0.00002; gnomAD exomes 0.00002; TOPMed 0.00002; gnomAD 0.00003; ESP Exome Variant Server 0.00015.

Submissions (2):

Labcorp Genetics (formerly Invitae), Labcorp
Classification: Uncertain significance. Last evaluated: 2022-02-08. Review status: criteria provided, single submitter. Criteria: Invitae Variant Classification Sherloc (09022015). Collection method: clinical testing. Allele origin: germline.
Comment: This sequence change falls in intron 14 of the GGCX gene. It does not directly change the encoded amino acid sequence of the GGCX protein. It affects a nucleotide within the consensus splice site. This variant is present in population databases (rs372812052, gnomAD 0.005%). This variant has not been reported in the literature in individuals affected with GGCX-related conditions. ClinVar contains an entry for this variant (Variation ID: 1031664). Variants that disrupt the consensus splice site are a relatively common cause of aberrant splicing (PMID: 17576681, 9536098). Algorithms developed to predict the effect of sequence changes on RNA splicing suggest that this variant may disrupt the consensus splice site. In summary, the available evidence is currently insufficient to determine the role of this variant in disease. Therefore, it has been classified as a Variant of Uncertain Significance.

Baylor Genetics
Classification: Uncertain significance for Body skin hyperlaxity due to vitamin K-dependent coagulation factor deficiency. Last evaluated: 2018-03-20. Review status: criteria provided, single submitter. Criteria: ACMG Guidelines, 2015. Collection method: clinical testing. Allele origin: unknown. Affected: yes.
Comment: This variant was determined to be of uncertain significance according to ACMG Guidelines, 2015 [PMID:25741868].

Literature cited by the submitters: PubMed 17576681 (cited by Labcorp Genetics (formerly Invitae), Labcorp); PubMed 9536098 (cited by Labcorp Genetics (formerly Invitae), Labcorp).

NM_000821.7(GGCX):c.2084+5G>A

Gene: GGCX (gamma-glutamyl carboxylase; minus strand). Cytogenetic location: 2p11.2.
Variant type: single nucleotide variant.
Coding change: c.2084+5G>A on transcript NM_000821.7 (MANE Select); 5 bases into the intron after coding-DNA position 2084, G replaced by A.
Molecular consequence: intron variant.
Genome position (GRCh38, 1-based): chr2:85,550,550, C>T on the plus strand (G>A on the coding strand, the complement: GGCX is on the minus strand). VCF-style: chr2-85550550-C-T. GRCh37 (hg19) VCF-style: chr2-85777673-C-T.
Other names: c.1913+5G>A (NM_001142269.4).
Identifiers: ClinVar variation 1031664 (VCV001031664.4), dbSNP rs372812052, ClinGen allele CA1741642.